The following is an entry in ClinVar:

ClinVar aggregate classification (germline): Uncertain significance (1 of 4 stars; one submission).

Submission:

Labcorp Genetics (formerly Invitae), Labcorp
Classification: Uncertain significance. Last evaluated: 2021-07-28. Review status: criteria provided, single submitter. Criteria: Invitae Variant Classification Sherloc (09022015). Collection method: clinical testing. Allele origin: germline.
Comment: In summary, the available evidence is currently insufficient to determine the role of this variant in disease. Therefore, it has been classified as a Variant of Uncertain Significance. Experimental studies and prediction algorithms are not available or were not evaluated, and the functional significance of this variant is currently unknown. This variant has not been reported in the literature in individuals affected with PCGF2-related conditions. This variant is not present in population databases (ExAC no frequency). This variant, c.442_444del, results in the deletion of 1 amino acid(s) of the PCGF2 protein (p.Lys148del), but otherwise preserves the integrity of the reading frame.

NM_007144.3(PCGF2):c.439AAG[1] (p.Lys148del)

Gene: PCGF2 (polycomb group ring finger 2; minus strand). Cytogenetic location: 17q12.
Variant type: Microsatellite.
Coding change: c.439AAG[1] on transcript NM_007144.3 (MANE Select); one copy of the 3-base unit AAG starting at c.439; the reference has two copies in a row; one copy, 3 bases deleted.
Protein change: p.Lys148del; deletes lysine 148.
Molecular consequence: inframe deletion.
Genome position (GRCh38, 1-based): chr17:38,738,577-38,738,579, CTT deleted on the plus strand (AAG on the coding strand, the reverse complement: PCGF2 is on the minus strand); deleting any 3 consecutive bases within chr17:38,738,577-38,738,584 gives the same sequence; the position shown is the placement nearest the transcript's 3' end. VCF-style (leftmost placement, unchanged base first): chr17-38738576-CCTT-C. GRCh37 (hg19) VCF-style: chr17-36894829-CCTT-C.
Other names: c.439AAG[1], p.Lys148del (NM_001369614.1, NM_001369615.1); short protein forms K148del.
Identifiers: ClinVar variation 1495885 (VCV001495885.6), dbSNP rs2143088951, ClinGen allele CA2576247786.